The following is an entry in ClinVar:

ClinVar aggregate classification (germline): Uncertain significance. Review status: criteria provided, multiple submitters, no conflicts (2 of 4 stars). 5 submissions from 5 submitters: Uncertain significance (4). 1 of the submissions does not count toward it. Last evaluated 2026-09-21.

Conditions:
BBS1-related disorder. Also called: BBS1-related condition.
Bardet-Biedl syndrome (BBS). Identifiers: Orphanet 110, MedGen C0752166, MONDO:0015229.
Bardet-Biedl syndrome 1 (BBS1). Identifiers: MedGen C2936862, MONDO:0008854, OMIM 209900. Disease mechanism: loss of function.

Allele frequency attached by ClinVar (database versions not stated): 1000 Genomes Project 30x 0.00031; TOPMed 0.00032; gnomAD 0.00027 and 0.00031; 1000 Genomes Project 0.00040; ExAC 0.00006; gnomAD exomes 0.00007; ESP Exome Variant Server 0.00031.

Submissions (5):

PreventionGenetics, part of Exact Sciences
Classification: Uncertain significance for BBS1-related condition. Last evaluated: 2026-09-21. Review status: criteria provided, single submitter. Criteria: ACMG Guidelines, 2015. Collection method: clinical testing. Allele origin: germline.
Comment: The BBS1 c.734C>T variant is predicted to result in the amino acid substitution p.Pro245Leu. This variant was previously reported in the heterozygous state in one individual with Bardet-Biedl syndrome; a second causative variant was not detected in the same gene (Janssen et al. 2011. PubMed ID: 21052717). In a second study, this variant was found along with a second variant in MKS1 in a patient presenting with non-obese juvenile-onset diabetes, learning difficulties, speech delay, short stature, and brachydactyly (Dallali et al. 2021. PubMed ID: 34691137). Dallali et al. suggest a possible oligogenic inheritance pattern for Bardet-Biedl syndrome. This variant is reported in 0.10% of alleles in individuals of African descent in gnomAD. Although we suspect that this variant may be benign, at this time, the clinical significance of this variant is uncertain due to the absence of conclusive functional and genetic evidence.

Blueprint Genetics
Classification: Uncertain significance. Last evaluated: 2024-07-18. Review status: criteria provided, single submitter. Criteria: ACMG Guidelines, 2015. Collection method: clinical testing. Allele origin: germline.

Fulgent Genetics
Classification: Uncertain significance for Bardet-Biedl syndrome 1. Last evaluated: 2023-12-28. Review status: criteria provided, single submitter. Criteria: ACMG Guidelines, 2015. Collection method: clinical testing. Allele origin: germline.

Labcorp Genetics (formerly Invitae), Labcorp
Classification: Uncertain significance for Bardet-Biedl syndrome. Last evaluated: 2022-08-15. Review status: criteria provided, single submitter. Criteria: Invitae Variant Classification Sherloc (09022015). Collection method: clinical testing. Allele origin: germline.
Comment: This sequence change replaces proline, which is neutral and non-polar, with leucine, which is neutral and non-polar, at codon 245 of the BBS1 protein (p.Pro245Leu). This variant is present in population databases (rs151203205, gnomAD 0.1%). This variant has not been reported in the literature in individuals affected with BBS1-related conditions. ClinVar contains an entry for this variant (Variation ID: 970728). Algorithms developed to predict the effect of missense changes on protein structure and function are either unavailable or do not agree on the potential impact of this missense change (SIFT: "Tolerated"; PolyPhen-2: "Probably Damaging"; Align-GVGD: "Class C0"). Algorithms developed to predict the effect of sequence changes on RNA splicing suggest that this variant may create or strengthen a splice site. In summary, the available evidence is currently insufficient to determine the role of this variant in disease. Therefore, it has been classified as a Variant of Uncertain Significance.

Natera, Inc.
Classification: Uncertain significance for Bardet-Biedl syndrome type 1. Last evaluated: 2020-03-21. Review status: no assertion criteria provided. Collection method: clinical testing. Allele origin: germline. Not counted in ClinVar's aggregate classification.

NM_024649.5(BBS1):c.734C>T (p.Pro245Leu)

Genes: BBS1 (Bardet-Biedl syndrome 1; plus strand), ZDHHC24 (zDHHC palmitoyltransferase 24; minus strand). Cytogenetic location: 11q13.2.
Variant type: single nucleotide variant.
Coding change: c.734C>T on transcript NM_024649.5 (MANE Select); coding-DNA position 734, C replaced by T.
Protein change: p.Pro245Leu; replaces proline 245 with leucine.
Molecular consequence: missense variant. On other transcripts: 3 prime UTR variant (1).
Genome position (GRCh38, 1-based): chr11:66,521,280, C>T. VCF-style: chr11-66521280-C-T. GRCh37 (hg19) VCF-style: chr11-66288751-C-T.
Other names: c.*208G>A (NM_001348571.2); short protein forms P245L.
Identifiers: ClinVar variation 970728 (VCV000970728.12), dbSNP rs151203205, ClinGen allele CA6123474.